The following is an entry in ClinVar:

NM_001353345.2(SETD1B):c.5293A>C (p.Asn1765His)

Gene: SETD1B (SET domain containing 1B, histone lysine methyltransferase; plus strand). Cytogenetic location: 12q24.31.
Variant type: single nucleotide variant.
Coding change: c.5293A>C on transcript NM_001353345.2 (MANE Select); coding-DNA position 5293, A replaced by C.
Protein change: p.Asn1765His; replaces asparagine 1765 with histidine.
Molecular consequence: missense variant.
Genome position (GRCh38, 1-based): chr12:121,825,322, A>C. VCF-style: chr12-121825322-A-C. GRCh37 (hg19) VCF-style: chr12-122263228-A-C.
Other names: short protein forms N1765H.
Identifiers: ClinVar variation 4532410 (VCV004532410.1).
Genomic context (GRCh38, chr12:121,825,322, plus strand): 5'-GGCTGTGCCCGCAGTGAGGGCTTCTACACCATCGACAAGAAGGACAAGCTCAGATACCTC[A>C]ACAGCAGCCGTGCCAGCACCGATGAGCCCCCCGCAGACACCCAGGTACTGCCAGGGCTCC-3'
Protein context (NP_001340274.1, residues 1755-1775): IDKKDKLRYL[Asn1765His]SSRASTDEPP

ClinVar aggregate classification (germline): Uncertain significance (1 of 4 stars; one submission).

Submission:

GeneDx
Classification: Uncertain significance. Last evaluated: 2025-05-23. Review status: criteria provided, single submitter. Criteria: GeneDx Variant Classification Process June 2021. Collection method: clinical testing. Allele origin: germline. Affected: yes.
Comment: Not observed at significant frequency in large population cohorts (gnomAD); In silico analysis suggests that this missense variant does not alter protein structure/function; Has not been previously published as pathogenic or benign to our knowledge